The following is an entry in ClinVar:

NM_002691.4(POLD1):c.1374C>T (p.Asp458=)

Gene: POLD1 (DNA polymerase delta 1, catalytic subunit; plus strand). Cytogenetic location: 19q13.33.
Variant type: single nucleotide variant.
Coding change: c.1374C>T on transcript NM_002691.4 (MANE Select); coding-DNA position 1374, C replaced by T.
Protein change: p.Asp458=; no amino-acid change (aspartic acid 458 retained).
Molecular consequence: synonymous variant. On other transcripts: non-coding transcript variant (1).
Genome position (GRCh38, 1-based): chr19:50,406,313, C>T. VCF-style: chr19-50406313-C-T. GRCh37 (hg19) VCF-style: chr19-50909570-C-T.
Other names: c.1374C>T (NM_002691.2); c.1374C>T, p.Asp458= (NM_001256849.1, NM_001308632.1).
Identifiers: ClinVar variation 1644304 (VCV001644304.10), dbSNP rs2038878765, ClinGen allele CA508304829.
Genomic context (GRCh38, chr19:50,406,313, plus strand): 5'-CAAGCAGACGGGCCGGCGGGACACCAAGGTTGTCAGCATGGTGGGCCGCGTGCAGATGGA[C>T]ATGCTGCAGGTATGGGCGGGAGGTGGGGTGTGTCCCTGTCCTTGGAAGGCCACTGCCCAG-3'
Protein context (NP_002682.2, residues 448-468): VVSMVGRVQM[Asp458=]MLQVLLREYK

ClinVar aggregate classification (germline): Benign/Likely benign. Review status: criteria provided, multiple submitters, no conflicts (2 of 4 stars). 3 submissions from 3 submitters: Benign (1); Likely benign (2). Last evaluated 2025-06-07.

Conditions:
Hereditary cancer-predisposing syndrome. Also called: Hereditary Cancer Syndrome; Hereditary neoplastic syndrome; Neoplastic Syndromes, Hereditary; Tumor predisposition. Identifiers: Orphanet 140162, MedGen C0027672, MeSH D009386, MONDO:0015356.
POLD1-related polyposis and colorectal cancer syndrome (CRCS10). Also called: Colorectal cancer 10; COLORECTAL CANCER, SUSCEPTIBILITY TO, ON CHROMOSOME 19q; Colorectal cancer, susceptibility to, 10. Identifiers: Orphanet 220460, MedGen C2675481, MONDO:0012953, OMIM 612591.

Allele frequency attached by ClinVar (database versions not stated): gnomAD exomes below 0.00001.
gnomAD v4.1: 1 of 1,613,930 alleles (0.000062%); highest among the groups gnomAD compares: Non-Finnish European, 0.000085%; no homozygotes.

Submissions (3):

Ambry Genetics
Classification: Likely benign for Hereditary cancer-predisposing syndrome. Last evaluated: 2025-06-07. Review status: criteria provided, single submitter. Criteria: Ambry Variant Classification Scheme 2023. Collection method: clinical testing. Allele origin: germline.

Myriad Genetics, Inc.
Classification: Benign for POLD1-related polyposis and colorectal cancer syndrome. Last evaluated: 2025-02-06. Review status: criteria provided, single submitter. Criteria: Myriad Autosomal Dominant, Autosomal Recessive and X-Linked Classification Criteria (2023). Collection method: clinical testing. Allele origin: unknown.
Comment: This variant is considered benign. This variant is a silent/synonymous amino acid change and it is not expected to impact splicing.

Labcorp Genetics (formerly Invitae), Labcorp
Classification: Likely benign for POLD1-related polyposis and colorectal cancer syndrome. Last evaluated: 2023-01-30. Review status: criteria provided, single submitter. Criteria: Invitae Variant Classification Sherloc (09022015). Collection method: clinical testing. Allele origin: germline.